The following is an entry in ClinVar:

ClinVar aggregate classification (germline): Conflicting classifications of pathogenicity. Review status: criteria provided, conflicting classifications (1 of 4 stars). 7 submissions from 7 submitters: Pathogenic (1); Likely pathogenic (4); Uncertain significance (2). Last evaluated 2026-04-21.

Conditions:
Cardiovascular phenotype. Identifiers: MedGen CN230736.
Cardiomyopathy (CMYO). Also called: Cardiomyopathies. Identifiers: Orphanet 167848, MedGen C0878544, MONDO:0004994, HP:0001638. Inheritance: Various modes of inheritance.
Lethal congenital glycogen storage disease of heart. Also called: GLYCOGEN STORAGE DISEASE OF HEART; PHOSPHORYLASE KINASE DEFICIENCY OF HEART. Identifiers: Orphanet 439854, MedGen C1849813, MONDO:0009867, OMIM 261740.
Hypertrophic cardiomyopathy. Also called: HYPERTROPHIC MYOCARDIOPATHY. Identifiers: Orphanet 217569, MedGen C0007194, MeSH D002312, MONDO:0005045, HP:0001639.

Submissions (7):

Ambry Genetics
Classification: Likely pathogenic for Cardiovascular phenotype. Last evaluated: 2026-04-21. Review status: criteria provided, single submitter. Criteria: Ambry Variant Classification Scheme 2023. Collection method: clinical testing. Allele origin: germline.
Comment: The p.R531L variant (also known as c.1592G>T), located in coding exon 15 of the PRKAG2 gene, results from a G to T substitution at nucleotide position 1592. The arginine at codon 531 is replaced by leucine, an amino acid with dissimilar properties. This variant was reported in individual(s) with features consistent with hypertrophic cardiomyopathy (HCM) (Walsh R et al. Genet Med, 2017 Feb;19:192-203). Other variant(s) at the same codon, p.R531Q c.1592G>A, have been identified in individual(s) with features consistent with congenital cardiomegaly, having additional findings that include increased glycogen concentrations in tissues, hypertrophic cardiomyopathy (HCM), Wolff-Parkinson-White syndrome and other abnormal ECG findings, as well as in individuals from an HCM genetic testing cohort; several of these cases have reportedly been de novo (Burwinkel B et al. Am. J. Hum. Genet., 2005 Jun;76:1034-49; Alfares AA et al. Genet. Med., 2015 Nov;17:880-8; Walsh R et al. Genet. Med., 2017 02;19:192-203). This variant is considered to be rare based on population cohorts in the Genome Aggregation Database (gnomAD). This amino acid position is highly conserved in available vertebrate species. In addition, this alteration is predicted to be deleterious by in silico analysis. Based on the majority of available evidence to date, this variant is likely to be pathogenic.

Molecular Diagnostic Laboratory for Inherited Cardiovascular Disease, Montreal Heart Institute
Classification: Likely pathogenic for Cardiovascular phenotype. Last evaluated: 2026-03-11. Review status: criteria provided, single submitter. Criteria: ACMG Guidelines, 2015. Collection method: clinical testing. Allele origin: germline. Affected: yes.
Comment: PM1, PM2, PM5, PP3

Color Diagnostics, LLC DBA Color Health
Classification: Likely pathogenic for Cardiomyopathy. Last evaluated: 2025-04-08. Review status: criteria provided, single submitter. Criteria: ACMG Guidelines, 2015. Collection method: clinical testing. Allele origin: germline.
Comment: This missense variant replaces arginine with leucine at codon 531 in the CBS domain 4 of the PRKAG2 protein. Computational prediction suggests that this variant may have a deleterious impact on protein structure and function. To our knowledge, functional studies have not been reported for this variant. This variant has been reported in individuals affected with hypertrophic cardiomyopathy (PMID: 25611685, 27532257; communication with an external laboratory; ClinVar SCV000762819.4, SCV002526523.2). This variant has not been identified in the general population by the Genome Aggregation Database (gnomAD). Different variants occurring at the same codon, p.Arg531Gln and p.Arg531Gly, are well documented to be disease-causing variants (ClinVar variation ID: 6852 and 6851), indicating that arginine at this position is important for PRKAG2 protein function. Based on the available evidence, this variant is classified as Likely Pathogenic.

All of Us Research Program, National Institutes of Health
Classification: Likely pathogenic for Hypertrophic cardiomyopathy. Last evaluated: 2023-06-08. Review status: criteria provided, single submitter. Criteria: ACMG Guidelines, 2015. Collection method: clinical testing. Allele origin: germline. Inheritance: Autosomal dominant inheritance. Observed: 1 variant allele, 1 heterozygote.
Comment: This missense variant replaces arginine with leucine at codon 531 in the CBS domain 4 of the PRKAG2 protein. Computational prediction suggests that this variant may have a deleterious impact on protein structure and function (internally defined REVEL score threshold >= 0.7, PMID: 27666373). To our knowledge, functional studies have not been reported for this variant. This variant has been reported in individuals affected with hypertrophic cardiomyopathy (PMID: 25611685, 27532257; communication with an external laboratory; ClinVar SCV000762819.4, SCV002526523.2). This variant has not been identified in the general population by the Genome Aggregation Database (gnomAD). Different variants occurring at the same codon, p.Arg531Gln and p.Arg531Gly, are well documented to be disease-causing variants (ClinVar variation ID: 6852 and 6851), indicating that arginine at this position is important for PRKAG2 protein function. Based on the available evidence, this variant is classified as Likely Pathogenic.

This study involves interpretation of variants in research participants for the purpose of population health screening. Participant phenotype was not available at the time of variant classification. Additional details can be found in publication PMID: 35346344, PMCID: PMC8962531

GeneDx
Classification: Uncertain significance. Last evaluated: 2023-01-04. Review status: criteria provided, single submitter. Criteria: GeneDx Variant Classification Process June 2021. Collection method: clinical testing. Allele origin: germline. Affected: yes.
Comment: Reported in patients with HCM in the published literature (Alfares et al., 2015; Walsh et al., 2017); Not observed at significant frequency in large population cohorts (gnomAD); In silico analysis supports that this missense variant has a deleterious effect on protein structure/function; This variant is associated with the following publications: (PMID: 25611685, 27532257)

Labcorp Genetics (formerly Invitae), Labcorp
Classification: Pathogenic for Lethal congenital glycogen storage disease of heart. Last evaluated: 2022-12-04. Review status: criteria provided, single submitter. Criteria: Invitae Variant Classification Sherloc (09022015). Collection method: clinical testing. Allele origin: germline.
Comment: For these reasons, this variant has been classified as Pathogenic. This variant disrupts the p.Arg531 amino acid residue in PRKAG2. Other variant(s) that disrupt this residue have been determined to be pathogenic (PMID: 11748095, 14722619, 15877279, 25611685, 27621313). This suggests that this residue is clinically significant, and that variants that disrupt this residue are likely to be disease-causing. Advanced modeling of protein sequence and biophysical properties (such as structural, functional, and spatial information, amino acid conservation, physicochemical variation, residue mobility, and thermodynamic stability) performed at Invitae indicates that this missense variant is expected to disrupt PRKAG2 protein function. ClinVar contains an entry for this variant (Variation ID: 45701). This missense change has been observed in individuals with hypertrophic cardiomyopathy (PMID: 25611685, 27532257). This variant is not present in population databases (gnomAD no frequency). This sequence change replaces arginine, which is basic and polar, with leucine, which is neutral and non-polar, at codon 531 of the PRKAG2 protein (p.Arg531Leu).

Laboratory for Molecular Medicine, Mass General Brigham Personalized Medicine
Classification: Uncertain significance for Hypertrophic cardiomyopathy. Last evaluated: 2022-06-27. Review status: criteria provided, single submitter. Criteria: ACMG Guidelines, 2015. Collection method: clinical testing. Allele origin: germline. Inheritance: Autosomal dominant inheritance.
Comment: The p.Arg531Leu variant in PRKAG2 has been reported in at least 2 individuals with HCM (Alfares 2015 PMID: 25611685, Walsh 2017 PMID: 27532257, Invitae pers. comm., LMM data, ClinVar Variation ID: 45701). It was absent from large population studies. Computational prediction tools and conservation analysis suggest that this variant may impact the protein. In addition, another variant involving this codon (p.Arg531Leu) is classified as pathogenic by our lab and this variant is located within the CBS domain region where all pathogenic PRKAG2 variants have been identified to date (Oliveira 2003 PMID: 14519435). In summary, while there is some suspicion for a pathogenic role, the clinical significance of this variant is uncertain. ACMG/AMP Criteria applied: PM5, PS4_Supporting, PM2_Supporting, PP3.

Literature cited by the submitters: PubMed 25611685 (cited by 5 submitters); PubMed 27532257 (cited by 5 submitters); PubMed 11748095 (cited by Labcorp Genetics (formerly Invitae), Labcorp); PubMed 14722619 (cited by Labcorp Genetics (formerly Invitae), Labcorp); PubMed 15877279 (cited by Labcorp Genetics (formerly Invitae), Labcorp); PubMed 27621313 (cited by Labcorp Genetics (formerly Invitae), Labcorp); PubMed 14519435 (cited by Laboratory for Molecular Medicine, Mass General Brigham Personalized Medicine).

NM_016203.4(PRKAG2):c.1592G>T (p.Arg531Leu)

Gene: PRKAG2 (protein kinase AMP-activated non-catalytic subunit gamma 2; minus strand). Cytogenetic location: 7q36.1.
Variant type: single nucleotide variant.
Coding change: c.1592G>T on transcript NM_016203.4 (MANE Select); coding-DNA position 1592, G replaced by T.
Protein change: p.Arg531Leu; replaces arginine 531 with leucine.
Molecular consequence: missense variant.
Genome position (GRCh38, 1-based): chr7:151,560,610, C>A on the plus strand (G>T on the coding strand, the complement: PRKAG2 is on the minus strand). VCF-style: chr7-151560610-C-A. GRCh37 (hg19) VCF-style: chr7-151257696-C-A.
Other names: c.1460G>T, p.Arg487Leu (NM_001040633.2); c.1217G>T, p.Arg406Leu (NM_001304527.2); c.869G>T, p.Arg290Leu (NM_001304531.2, NM_024429.2); c.1220G>T, p.Arg407Leu (NM_001363698.2); short protein forms R531L, R290L, R406L, R407L, R487L.
Identifiers: ClinVar variation 45701 (VCV000045701.16), dbSNP rs121908991, ClinGen allele CA013893.